The following is an entry in ClinVar:

ClinVar aggregate classification (germline): Uncertain significance (1 of 4 stars; one submission).

Conditions:
Autosomal dominant limb-girdle muscular dystrophy type 1G (LGMDD3). Also called: MUSCULAR DYSTROPHY, LIMB-GIRDLE, AUTOSOMAL DOMINANT 3; Limb-girdle muscular dystrophy, type 1G. Identifiers: Orphanet 55596, MedGen C1836765, MONDO:0012193, OMIM 609115.

Allele frequency attached by ClinVar (database versions not stated): gnomAD exomes below 0.00001 and 0.00002; ExAC 0.00003; gnomAD 0.00003; TOPMed 0.00006; ESP Exome Variant Server 0.00008.
gnomAD v4.1: 7 of 1,613,188 alleles (0.00043%); highest among the groups gnomAD compares: Middle Eastern, 0.016%; no homozygotes.

Submission:

Labcorp Genetics (formerly Invitae), Labcorp
Classification: Uncertain significance for Autosomal dominant limb-girdle muscular dystrophy type 1G. Last evaluated: 2022-06-08. Review status: criteria provided, single submitter. Criteria: Invitae Variant Classification Sherloc (09022015). Collection method: clinical testing. Allele origin: germline.
Comment: Algorithms developed to predict the effect of missense changes on protein structure and function output the following: SIFT: "Deleterious"; PolyPhen-2: "Benign"; Align-GVGD: "Class C0". The threonine amino acid residue is found in multiple mammalian species, which suggests that this missense change does not adversely affect protein function. In summary, the available evidence is currently insufficient to determine the role of this variant in disease. Therefore, it has been classified as a Variant of Uncertain Significance. This variant has not been reported in the literature in individuals affected with HNRNPDL-related conditions. This variant is present in population databases (rs147289067, gnomAD 0.03%). This sequence change replaces alanine, which is neutral and non-polar, with threonine, which is neutral and polar, at codon 101 of the HNRNPDL protein (p.Ala101Thr).

NM_031372.4(HNRNPDL):c.301G>A (p.Ala101Thr)

Gene: HNRNPDL (heterogeneous nuclear ribonucleoprotein D like; minus strand). Cytogenetic location: 4q21.22.
Variant type: single nucleotide variant.
Coding change: c.301G>A on transcript NM_031372.4 (MANE Select); coding-DNA position 301, G replaced by A.
Protein change: p.Ala101Thr; replaces alanine 101 with threonine.
Molecular consequence: missense variant. On other transcripts: non-coding transcript variant (1).
Genome position (GRCh38, 1-based): chr4:82,429,390, C>T on the plus strand (G>A on the coding strand, the complement: HNRNPDL is on the minus strand). VCF-style: chr4-82429390-C-T. GRCh37 (hg19) VCF-style: chr4-83350543-C-T.
Other names: c.301G>A, p.Ala101Thr (NM_001207000.1); short protein forms A101T.
Identifiers: ClinVar variation 1423773 (VCV001423773.6), dbSNP rs147289067, ClinGen allele CA2985068.
Genomic context (GRCh38, chr4:82,429,390, plus strand): 5'-CCATAGTGACGGAGCTGTCGGCAGGGGGGTGCTGGCGCGCAGTCCGGGTCGCGGCAGCAG[C>T]GGCGGCGGAGCGTTGTATGGAGCTGGATTTAAAATGGCGGCGGAAGAGATCCGGGCGCCG-3'
Protein context (NP_112740.1, residues 91-111): KSSSIQRSAA[Ala101Thr]AAATRTARQH